The following is an entry in ClinVar:

NM_032634.4(PIGO):c.158G>A (p.Gly53Glu)

Gene: PIGO (phosphatidylinositol glycan anchor biosynthesis class O; minus strand). Cytogenetic location: 9p13.3.
Variant type: single nucleotide variant.
Coding change: c.158G>A on transcript NM_032634.4 (MANE Select); coding-DNA position 158, G replaced by A.
Protein change: p.Gly53Glu; replaces glycine 53 with glutamic acid.
Molecular consequence: missense variant.
Genome position (GRCh38, 1-based): chr9:35,095,408, C>T on the plus strand (G>A on the coding strand, the complement: PIGO is on the minus strand). VCF-style: chr9-35095408-C-T. GRCh37 (hg19) VCF-style: chr9-35095405-C-T.
Other names: c.158G>A, p.Gly53Glu (NM_001201484.2, NM_152850.4); short protein forms G53E.
Identifiers: ClinVar variation 429955 (VCV000429955.10), dbSNP rs750495026, ClinGen allele CA5040999.

ClinVar aggregate classification (germline): Uncertain significance. Review status: criteria provided, multiple submitters, no conflicts (2 of 4 stars). 3 submissions from 3 submitters: Uncertain significance (3). Last evaluated 2025-10-30.

Conditions:
Hyperphosphatasia with impaired intellectual development syndrome 2. Also called: GLYCOSYLPHOSPHATIDYLINOSITOL BIOSYNTHESIS DEFECT 6; Hyperphosphatasia with intellectual disability syndrome 2. Identifiers: Orphanet 247262, MedGen C3553637, MONDO:0013882, OMIM 614749.

Allele frequency attached by ClinVar (database versions not stated): TOPMed 0.00003; gnomAD exomes 0.00003 and 0.00005; ExAC 0.00001; gnomAD 0.00003.
gnomAD v4.1: 54 of 1,614,022 alleles (0.0033%); highest among the groups gnomAD compares: Middle Eastern, 0.033%; no homozygotes.

Submissions (3):

GeneDx
Classification: Uncertain significance. Last evaluated: 2025-10-30. Review status: criteria provided, single submitter. Criteria: GeneDx Variant Classification Process June 2021. Collection method: clinical testing. Allele origin: germline. Affected: yes.
Comment: In silico analysis suggests that this missense variant does not alter protein structure/function; Has not been previously published as pathogenic or benign to our knowledge

Labcorp Genetics (formerly Invitae), Labcorp
Classification: Uncertain significance for Hyperphosphatasia with impaired intellectual development syndrome 2. Last evaluated: 2025-01-27. Review status: criteria provided, single submitter. Criteria: Invitae Variant Classification Sherloc (09022015). Collection method: clinical testing. Allele origin: germline.
Comment: This sequence change replaces glycine, which is neutral and non-polar, with glutamic acid, which is acidic and polar, at codon 53 of the PIGO protein (p.Gly53Glu). This variant is present in population databases (rs750495026, gnomAD 0.03%). This variant has not been reported in the literature in individuals affected with PIGO-related conditions. ClinVar contains an entry for this variant (Variation ID: 429955). Invitae Evidence Modeling of protein sequence and biophysical properties (such as structural, functional, and spatial information, amino acid conservation, physicochemical variation, residue mobility, and thermodynamic stability) indicates that this missense variant is not expected to disrupt PIGO protein function with a negative predictive value of 80%. In summary, the available evidence is currently insufficient to determine the role of this variant in disease. Therefore, it has been classified as a Variant of Uncertain Significance.

Blueprint Genetics
Classification: Uncertain significance. Last evaluated: 2020-04-23. Review status: criteria provided, single submitter. Criteria: ACMG Guidelines, 2015. Collection method: clinical testing. Allele origin: germline.